The following is an entry in ClinVar:

ClinVar aggregate classification (germline): Conflicting classifications of pathogenicity. Review status: criteria provided, conflicting classifications (1 of 4 stars). 2 submissions from 2 submitters: Likely pathogenic (1); Uncertain significance (1). Last evaluated 2024-06-25.

Conditions:
Meckel syndrome, type 11 (MKS11). Identifiers: Orphanet 564, MedGen C3809352, MONDO:0014164, OMIM 615397.
Joubert syndrome 20 (JBTS20). Identifiers: Orphanet 475, MedGen C3554235, MONDO:0013994, OMIM 614970.

Allele frequency attached by ClinVar (database versions not stated): gnomAD exomes below 0.00001 and 0.00004; TOPMed below 0.00001; gnomAD 0.00001.
gnomAD v4.1: 4 of 1,165,488 alleles (0.00034%); highest among the groups gnomAD compares: Admixed American, 0.011%; no homozygotes.

Submissions (2):

Labcorp Genetics (formerly Invitae), Labcorp
Classification: Likely pathogenic for Joubert syndrome 20; Meckel syndrome, type 11. Last evaluated: 2024-06-25. Review status: criteria provided, single submitter. Criteria: Invitae Variant Classification Sherloc (09022015). Collection method: clinical testing. Allele origin: germline.
Comment: This sequence change falls in intron 2 of the TMEM231 gene. It does not directly change the encoded amino acid sequence of the TMEM231 protein. It affects a nucleotide within the consensus splice site. This variant is present in population databases (no rsID available, gnomAD 0.03%). This variant has been observed in individual(s) with clinical features of Joubert syndrome (Invitae). In at least one individual the data is consistent with being in trans (on the opposite chromosome) from a pathogenic variant. ClinVar contains an entry for this variant (Variation ID: 971624). Variants that disrupt the consensus splice site are a relatively common cause of aberrant splicing (PMID: 17576681, 9536098). Algorithms developed to predict the effect of sequence changes on RNA splicing suggest that this variant may disrupt the consensus splice site. In summary, the currently available evidence indicates that the variant is pathogenic, but additional data are needed to prove that conclusively. Therefore, this variant has been classified as Likely Pathogenic.

Fulgent Genetics
Classification: Uncertain significance for Joubert syndrome 20; Meckel syndrome, type 11. Last evaluated: 2024-03-07. Review status: criteria provided, single submitter. Criteria: ACMG Guidelines, 2015. Collection method: clinical testing. Allele origin: germline.

Literature cited by the submitters: PubMed 17576681 (cited by Labcorp Genetics (formerly Invitae), Labcorp); PubMed 9536098 (cited by Labcorp Genetics (formerly Invitae), Labcorp).

NM_001077418.3(TMEM231):c.438+5G>C

Gene: TMEM231 (transmembrane protein 231; minus strand). Cytogenetic location: 16q23.1.
Variant type: single nucleotide variant.
Coding change: c.438+5G>C on transcript NM_001077418.3 (MANE Select); 5 bases into the intron after coding-DNA position 438, G replaced by C.
Molecular consequence: intron variant.
Genome position (GRCh38, 1-based): chr16:75,545,821, C>G on the plus strand (G>C on the coding strand, the complement: TMEM231 is on the minus strand). VCF-style: chr16-75545821-C-G. GRCh37 (hg19) VCF-style: chr16-75579719-C-G.
Other names: c.597+5G>C (NM_001077416.2).
Identifiers: ClinVar variation 971624 (VCV000971624.9), dbSNP rs1472951348, ClinGen allele CA623583503.